The following is an entry in ClinVar:

NM_001145418.2(TTC28):c.6789G>A (p.Pro2263=)

Genes: TTC28 (tetratricopeptide repeat domain 28; minus strand), TTC28-AS1 (TTC28 antisense RNA 1; plus strand). Cytogenetic location: 22q12.1.
Variant type: single nucleotide variant.
Coding change: c.6789G>A on transcript NM_001145418.2 (MANE Select); coding-DNA position 6789, G replaced by A.
Protein change: p.Pro2263=; no amino-acid change (proline 2263 retained).
Molecular consequence: synonymous variant.
Genome position (GRCh38, 1-based): chr22:27,982,878, C>T on the plus strand (G>A on the coding strand, the complement: TTC28 is on the minus strand). VCF-style: chr22-27982878-C-T. GRCh37 (hg19) VCF-style: chr22-28378866-C-T.
Other names: c.6765G>A, p.Pro2255= (NM_001393403.1); c.6435G>A, p.Pro2145= (NM_001393404.1); c.6411G>A, p.Pro2137= (NM_001393405.1).
Identifiers: ClinVar variation 4985927 (VCV004985927.1).

ClinVar aggregate classification (germline): Likely benign (1 of 4 stars; one submission).

Conditions:
TTC28-related disorder. Also called: TTC28-related condition.

gnomAD v4.1: 396 of 1,550,464 alleles (0.026%); highest among the groups gnomAD compares: African/African-American, 0.47%; 1 homozygote.

Submission:

PreventionGenetics, part of Exact Sciences
Classification: Likely benign for TTC28-related condition. Last evaluated: 2026-08-13. Review status: criteria provided, single submitter. Criteria: ACMG Guidelines, 2015. Collection method: clinical testing. Allele origin: germline.
Comment: This variant is classified as likely benign based on ACMG/AMP sequence variant interpretation guidelines (Richards et al. 2015 PMID: 25741868, with internal and published modifications).